The following is an entry in ClinVar:

ClinVar aggregate classification (germline): Likely benign. Review status: criteria provided, multiple submitters, no conflicts (2 of 4 stars). 2 submissions from 2 submitters: Likely benign (2). Last evaluated 2025-02-24.

Conditions:
Hyperammonemic encephalopathy due to carbonic anhydrase VA deficiency. Also called: Carbonic Anhydrase VA Deficiency; Carbonic anhydrase VA deficiency, hyperammonemia due to. Identifiers: Orphanet 401948, MedGen C4706871, MONDO:0014332, OMIM 615751.

Allele frequency attached by ClinVar (database versions not stated): gnomAD exomes below 0.00001 and 0.00001.
gnomAD v4.1: 7 of 1,612,896 alleles (0.00043%); highest among the groups gnomAD compares: Non-Finnish European, 0.00059%; no homozygotes.

Submissions (2):

Labcorp Genetics (formerly Invitae), Labcorp
Classification: Likely benign for Hyperammonemic encephalopathy due to carbonic anhydrase VA deficiency. Last evaluated: 2025-02-24. Review status: criteria provided, single submitter. Criteria: Invitae Variant Classification Sherloc (09022015). Collection method: clinical testing. Allele origin: germline.

GeneDx
Classification: Likely benign. Last evaluated: 2018-02-08. Review status: criteria provided, single submitter. Criteria: GeneDx Variant Classification (06012015). Collection method: clinical testing. Allele origin: germline. Affected: yes.
Comment: This variant is considered likely benign or benign based on one or more of the following criteria: it is a conservative change, it occurs at a poorly conserved position in the protein, it is predicted to be benign by multiple in silico algorithms, and/or has population frequency not consistent with disease.

NM_001739.2(CA5A):c.219C>T (p.Asp73=)

Gene: CA5A (carbonic anhydrase 5A; minus strand). Cytogenetic location: 16q24.2.
Variant type: single nucleotide variant.
Coding change: c.219C>T on transcript NM_001739.2 (MANE Select); coding-DNA position 219, C replaced by T.
Protein change: p.Asp73=; no amino-acid change (aspartic acid 73 retained).
Molecular consequence: synonymous variant. On other transcripts: non-coding transcript variant (2).
Genome position (GRCh38, 1-based): chr16:87,926,869, G>A on the plus strand (C>T on the coding strand, the complement: CA5A is on the minus strand). VCF-style: chr16-87926869-G-A. GRCh37 (hg19) VCF-style: chr16-87960475-G-A.
Other names: c.219C>T, p.Asp73= (NM_001367225.1).
Identifiers: ClinVar variation 515104 (VCV000515104.4), dbSNP rs1213799028, ClinGen allele CA496898085.